The following is an entry in ClinVar:

NM_000156.6(GAMT):c.131G>A (p.Arg44His)

Genes: GAMT (guanidinoacetate N-methyltransferase; minus strand), LOC130062945 (ATAC-STARR-seq lymphoblastoid silent region 9707; plus strand). Cytogenetic location: 19p13.3.
Variant type: single nucleotide variant.
Coding change: c.131G>A on transcript NM_000156.6 (MANE Select); coding-DNA position 131, G replaced by A.
Protein change: p.Arg44His; replaces arginine 44 with histidine.
Molecular consequence: missense variant.
Genome position (GRCh38, 1-based): chr19:1,401,346, C>T on the plus strand (G>A on the coding strand, the complement: GAMT is on the minus strand). VCF-style: chr19-1401346-C-T. GRCh37 (hg19) VCF-style: chr19-1401345-C-T.
Other names: c.131G>A, p.Arg44His (NM_138924.3); short protein forms R44H.
Identifiers: ClinVar variation 2060345 (VCV002060345.4), dbSNP rs200339910, ClinGen allele CA9043800.

ClinVar aggregate classification (germline): Uncertain significance (1 of 4 stars; one submission).

Conditions:
Cerebral creatine deficiency syndrome. Also called: Creatine deficiency syndromes. Identifiers: Orphanet 79172, MedGen C5244016, MONDO:0000456.

Allele frequency attached by ClinVar (database versions not stated): TOPMed below 0.00001; gnomAD 0.00002; 1000 Genomes Project 30x 0.00016.
gnomAD v4.1: 9 of 1,536,906 alleles (0.00059%); highest among the groups gnomAD compares: East Asian, 0.0026%; no homozygotes.

Submission:

Labcorp Genetics (formerly Invitae), Labcorp
Classification: Uncertain significance for Cerebral creatine deficiency syndrome. Last evaluated: 2022-10-24. Review status: criteria provided, single submitter. Criteria: Invitae Variant Classification Sherloc (09022015). Collection method: clinical testing. Allele origin: germline.
Comment: This sequence change replaces arginine, which is basic and polar, with histidine, which is basic and polar, at codon 44 of the GAMT protein (p.Arg44His). The frequency data for this variant in the population databases is considered unreliable, as metrics indicate poor data quality at this position in the gnomAD database. This variant has not been reported in the literature in individuals affected with GAMT-related conditions. Advanced modeling of protein sequence and biophysical properties (such as structural, functional, and spatial information, amino acid conservation, physicochemical variation, residue mobility, and thermodynamic stability) has been performed at Invitae for this missense variant, however the output from this modeling did not meet the statistical confidence thresholds required to predict the impact of this variant on GAMT protein function. In summary, the available evidence is currently insufficient to determine the role of this variant in disease. Therefore, it has been classified as a Variant of Uncertain Significance.